The following is an entry in ClinVar:

NM_001374828.1(ARID1B):c.1934T>A (p.Ile645Asn)

Gene: ARID1B (AT-rich interaction domain 1B; plus strand). Cytogenetic location: 6q25.3.
Variant type: single nucleotide variant.
Coding change: c.1934T>A on transcript NM_001374828.1 (MANE Select); coding-DNA position 1934, T replaced by A.
Protein change: p.Ile645Asn; replaces isoleucine 645 with asparagine.
Molecular consequence: missense variant.
Genome position (GRCh38, 1-based): chr6:156,829,369, T>A. VCF-style: chr6-156829369-T-A. GRCh37 (hg19) VCF-style: chr6-157150503-T-A.
Other names: c.1685T>A, p.Ile562Asn (NM_020732.3); c.1934T>A, p.Ile645Asn (NM_001371656.1, NM_001374820.1, NM_017519.3); short protein forms I562N, I645N.
Identifiers: ClinVar variation 386817 (VCV000386817.8), dbSNP rs1057522610, ClinGen allele CA16605488.

ClinVar aggregate classification (germline): Conflicting classifications of pathogenicity. Review status: criteria provided, conflicting classifications (1 of 4 stars). 2 submissions from 2 submitters: Uncertain significance (1); Benign (1). Last evaluated 2025-10-10.

Allele frequency attached by ClinVar (database versions not stated): gnomAD exomes 0.00001; TOPMed 0.00001.
gnomAD v4.1: 11 of 1,614,208 alleles (0.00068%); highest among the groups gnomAD compares: Admixed American, 0.0017%; no homozygotes.

Submissions (2):

Labcorp Genetics (formerly Invitae), Labcorp
Classification: Benign. Last evaluated: 2025-10-10. Review status: criteria provided, single submitter. Criteria: Invitae Variant Classification Sherloc (09022015). Collection method: clinical testing. Allele origin: germline.

GeneDx
Classification: Uncertain significance. Last evaluated: 2019-08-12. Review status: criteria provided, single submitter. Criteria: GeneDx Variant Classification Process June 2021. Collection method: clinical testing. Allele origin: germline. Affected: yes.
Comment: In silico analysis, which includes protein predictors and evolutionary conservation, supports that this variant does not alter protein structure/function; Has not been previously published as pathogenic or benign to our knowledge